The following is an entry in ClinVar:

NM_153717.3(EVC):c.1668C>G (p.Tyr556Ter)

Gene: EVC (EvC ciliary complex subunit 1; plus strand). Cytogenetic location: 4p16.2.
Variant type: single nucleotide variant.
Coding change: c.1668C>G on transcript NM_153717.3 (MANE Select); coding-DNA position 1668, C replaced by G.
Protein change: p.Tyr556Ter; replaces tyrosine 556 with a stop codon.
Molecular consequence: nonsense.
Genome position (GRCh38, 1-based): chr4:5,783,656, C>G. VCF-style: chr4-5783656-C-G. GRCh37 (hg19) VCF-style: chr4-5785383-C-G.
Other names: c.1668C>G, p.Tyr556Ter (NM_001306090.2); short protein forms Y556*.
Identifiers: ClinVar variation 446660 (VCV000446660.6), dbSNP rs765269619, ClinGen allele CA356160943.

ClinVar aggregate classification (germline): Pathogenic/Likely pathogenic. Review status: criteria provided, multiple submitters, no conflicts (2 of 4 stars). 4 submissions from 4 submitters: Pathogenic (1); Likely pathogenic (1). 2 of the submissions do not count toward it. Last evaluated 2024-02-07.

Conditions:
Curry-Hall syndrome (WAD). Also called: WEYERS ACRODENTAL DYSOSTOSIS. Identifiers: Orphanet 952, MedGen C0457013, MONDO:0008673, OMIM 193530.
Ellis-van Creveld syndrome (EVC). Also called: Chondroectodermal dysplasia; MESOECTODERMAL DYSPLASIA; EVC-Related Ellis-van Creveld Syndrome; EVC2-Related Ellis-van Creveld Syndrome. Identifiers: Orphanet 289, MedGen C0013903, MONDO:0009162, OMIM 225500.

Allele frequency attached by ClinVar (database versions not stated): TOPMed below 0.00001; gnomAD 0.00003.
gnomAD v4.1: 3 of 1,614,162 alleles (0.00019%); highest among the groups gnomAD compares: Non-Finnish European, 0.00025%; no homozygotes.

Submissions (4):

Fulgent Genetics
Classification: Likely pathogenic for Curry-Hall syndrome; Ellis-van Creveld syndrome. Last evaluated: 2024-02-07. Review status: criteria provided, single submitter. Criteria: ACMG Guidelines, 2015. Collection method: clinical testing. Allele origin: germline.

Labcorp Genetics (formerly Invitae), Labcorp
Classification: Pathogenic for Curry-Hall syndrome; Ellis-van Creveld syndrome. Last evaluated: 2024-01-18. Review status: criteria provided, single submitter. Criteria: Invitae Variant Classification Sherloc (09022015). Collection method: clinical testing. Allele origin: germline.
Comment: This sequence change creates a premature translational stop signal (p.Tyr556*) in the EVC gene. It is expected to result in an absent or disrupted protein product. Loss-of-function variants in EVC are known to be pathogenic (PMID: 23220543). This variant is present in population databases (no rsID available, gnomAD 0.002%). This premature translational stop signal has been observed in individual(s) with Ellis-van Creveld syndrome (PMID: 29068549). ClinVar contains an entry for this variant (Variation ID: 446660). For these reasons, this variant has been classified as Pathogenic.

Dan Cohn Lab, University Of California Los Angeles
Classification: Pathogenic for Ellis-van Creveld Syndrome. Last evaluated: 2017-06-01. Review status: no assertion criteria provided. Collection method: research. Allele origin: maternal. Affected: yes. Not counted in ClinVar's aggregate classification.

University of Washington Center for Mendelian Genomics, University of Washington
Classification: Likely pathogenic for Ellis van Creveld syndrome. Review status: no assertion criteria provided. Collection method: research. Allele origin: inherited. Affected: yes. Not counted in ClinVar's aggregate classification.

Literature cited by the submitters: PubMed 23220543 (cited by Labcorp Genetics (formerly Invitae), Labcorp); PubMed 29068549 (cited by 3 submitters).